The following is an entry in ClinVar:

NM_022369.4(STRA6):c.105G>A (p.Gln35=)

Gene: STRA6 (signaling receptor and transporter of retinol STRA6; minus strand). Cytogenetic location: 15q24.1.
Variant type: single nucleotide variant.
Coding change: c.105G>A on transcript NM_022369.4 (MANE Select); coding-DNA position 105, G replaced by A.
Protein change: p.Gln35=; no amino-acid change (glutamine 35 retained).
Molecular consequence: synonymous variant.
Genome position (GRCh38, 1-based): chr15:74,202,163, C>T on the plus strand (G>A on the coding strand, the complement: STRA6 is on the minus strand). VCF-style: chr15-74202163-C-T. GRCh37 (hg19) VCF-style: chr15-74494504-C-T.
Other names: c.105G>A, p.Gln35= (NM_001142617.2, NM_001142618.2, NM_001142619.2 and 1 more transcripts); c.216G>A, p.Gln72= (NM_001199040.2); c.150G>A, p.Gln50= (NM_001199041.2); c.222G>A, p.Gln74= (NM_001199042.2).
Identifiers: ClinVar variation 767228 (VCV000767228.14), dbSNP rs199782189, ClinGen allele CA7655115.

ClinVar aggregate classification (germline): Benign. Review status: criteria provided, multiple submitters, no conflicts (2 of 4 stars). 3 submissions from 3 submitters: Benign (3). Last evaluated 2024-11-18.

Conditions:
Microphthalmia, syndromic 9. Also called: Matthew-Wood syndrome; ANOPHTHALMIA, CLINICAL, WITH MILD FACIAL DYSMORPHISM AND VARIABLE MALFORMATIONS OF THE LUNG, HEART, AND DIAPHRAGM; ANOPHTHALMIA/MICROPHTHALMIA AND PULMONARY HYPOPLASIA; PULMONARY AGENESIS, MICROPHTHALMIA, AND DIAPHRAGMATIC DEFECT; SPEAR SYNDROME. Identifiers: Orphanet 2470, MedGen C1832661, MONDO:0011010, OMIM 601186.

Allele frequency attached by ClinVar (database versions not stated): gnomAD 0.00001 and 0.00036; TOPMed 0.00010; gnomAD exomes 0.00061 and 0.00106; ExAC 0.00122; 1000 Genomes Project 30x 0.00375; 1000 Genomes Project 0.00439.
gnomAD v4.1: 892 of 1,505,518 alleles (0.059%); highest among the groups gnomAD compares: South Asian, 1%; 5 homozygotes.

Submissions (3):

Blueprint Genetics
Classification: Benign. Last evaluated: 2024-11-18. Review status: criteria provided, single submitter. Criteria: ACMG Guidelines, 2015. Collection method: clinical testing. Allele origin: germline.

Labcorp Genetics (formerly Invitae), Labcorp
Classification: Benign for Microphthalmia, syndromic 9. Last evaluated: 2021-12-13. Review status: criteria provided, single submitter. Criteria: Invitae Variant Classification Sherloc (09022015). Collection method: clinical testing. Allele origin: germline.

Illumina Laboratory Services, Illumina
Classification: Benign for Microphthalmia, syndromic 9. Last evaluated: 2018-01-13. Review status: criteria provided, single submitter. Criteria: ICSL Variant Classification Criteria 13 December 2019. Collection method: clinical testing. Allele origin: germline.
Comment: This variant was observed in the ICSL laboratory as part of a predisposition screen in an ostensibly healthy population. It had not been previously curated by ICSL or reported in the Human Gene Mutation Database (HGMD: prior to June 1st, 2018), and was therefore a candidate for classification through an automated scoring system. Utilizing variant allele frequency, disease prevalence and penetrance estimates, and inheritance mode, an automated score was calculated to assess if this variant is too frequent to cause the disease. Based on the score and internal cut-off values, a variant classified as benign is not then subjected to further curation. The score for this variant resulted in a classification of benign for this disease.